The following is an entry in ClinVar:

NM_000183.3(HADHB):c.962del (p.Met321fs)

Gene: HADHB (hydroxyacyl-CoA dehydrogenase trifunctional multienzyme complex subunit beta; plus strand). Cytogenetic location: 2p23.3.
Variant type: Deletion.
Coding change: c.962del on transcript NM_000183.3 (MANE Select); coding-DNA position 962, one base deleted (T; older notation c.962delT).
Protein change: p.Met321fs; shifts the reading frame from methionine 321.
Molecular consequence: frameshift variant.
Genome position (GRCh38, 1-based): chr2:26,282,873, T deleted. VCF-style (leftmost placement, unchanged base first): chr2-26282872-AT-A. GRCh37 (hg19) VCF-style: chr2-26505740-AT-A.
Other names: c.917del, p.Met306fs (NM_001281512.2); c.896del, p.Met299fs (NM_001281513.2); short protein forms M299fs, M306fs, M321fs.
Identifiers: ClinVar variation 2676003 (VCV002676003.4), dbSNP rs2465730692, ClinGen allele CA2576697505.

ClinVar aggregate classification (germline): Pathogenic/Likely pathogenic. Review status: criteria provided, multiple submitters, no conflicts (2 of 4 stars). 2 submissions from 2 submitters: Pathogenic (1); Likely pathogenic (1). Last evaluated 2025-02-09.

Conditions:
Mitochondrial trifunctional protein deficiency. Identifiers: Orphanet 746, MedGen C1969443, MONDO:0012172.

Submissions (2):

Labcorp Genetics (formerly Invitae), Labcorp
Classification: Pathogenic for Mitochondrial trifunctional protein deficiency. Last evaluated: 2025-02-09. Review status: criteria provided, single submitter. Criteria: Invitae Variant Classification Sherloc (09022015). Collection method: clinical testing. Allele origin: germline.
Comment: This sequence change creates a premature translational stop signal (p.Met321Argfs*17) in the HADHB gene. It is expected to result in an absent or disrupted protein product. Loss-of-function variants in HADHB are known to be pathogenic (PMID: 9259266, 12754706). This variant is not present in population databases (gnomAD no frequency). This premature translational stop signal has been observed in individual(s) with clinical features of HADHB-related conditions (PMID: 35050212). ClinVar contains an entry for this variant (Variation ID: 2676003). Algorithms developed to predict the effect of sequence changes on RNA splicing suggest that this variant may disrupt the consensus splice site. For these reasons, this variant has been classified as Pathogenic.

Baylor Genetics
Classification: Likely pathogenic for Mitochondrial trifunctional protein deficiency 1. Last evaluated: 2021-11-10. Review status: criteria provided, single submitter. Criteria: ACMG Guidelines, 2015. Collection method: clinical testing. Allele origin: unknown.

Literature cited by the submitters: PubMed 9259266 (cited by Labcorp Genetics (formerly Invitae), Labcorp); PubMed 12754706 (cited by Labcorp Genetics (formerly Invitae), Labcorp); PubMed 35050212 (cited by Labcorp Genetics (formerly Invitae), Labcorp).